The following continues an entry in ClinVar:

NM_000402.4(G6PD):c.466A>G (p.Asn156Asp)

Gene: G6PD. ClinVar aggregate classification (germline): Conflicting classifications of pathogenicity. Pathogenic (13); Likely pathogenic (4); Uncertain significance (5); Benign (2); Likely benign (3).

Submissions 13 to 30 of 34:

Ambry Genetics
Classification: Pathogenic for Inborn genetic diseases. Last evaluated: 2023-11-20. Review status: criteria provided, single submitter. Criteria: Ambry Variant Classification Scheme 2023. Collection method: clinical testing. Allele origin: germline.
Comment: The c.376A>G (p.N126D) alteration is located in exon 5 (coding exon 4) of the G6PD gene. This alteration results from a A to G substitution at nucleotide position 376, causing the asparagine (N) at amino acid position 126 to be replaced by an aspartic acid (D). Based on the available evidence, this alteration is classified as pathogenic.

GeneDx
Classification: Uncertain significance. Last evaluated: 2022-11-30. Review status: criteria provided, single submitter. Criteria: GeneDx Variant Classification Process June 2021. Collection method: clinical testing. Allele origin: germline. Affected: yes.
Comment: A published functional study demonstrates that N126D affects the catalytic efficiency of the enzyme and affects the overall stability of the protein when compared to wild-type G6PD (Gomez-Manzo et al., 2015); A published functional study demonstrates N126D alone showed similar catalytic activity and structural stability compared to wildtype while N126D in combination with other mutations resulted in protein structural instability and reduced catalytic activity, suggesting that the additional mutations contribute to reduced enzyme activity (Praoparotai et al., 2020); In silico analysis, which includes protein predictors and evolutionary conservation, supports that this variant does not alter protein structure/function; This variant is associated with the following publications: (PMID: 3446582, 27535533, 23144702, 2572288, 33637102, 22307442, 21931771, 1889820, 8733135, 12524354, 9452072, 21479984, 1303173, 25201310, 2836867, 3393536, 27884173, 28195434, 26990548, 27853304, 29141760, 30161219, 29072585, 32387609, 30577886, 34272389, 34426522, 33072997, 33587123, 28902532, 28939159, 34992599, 26633385)

Dunham Lab, University of Washington
Classification: Uncertain significance for Anemia, nonspherocytic hemolytic, due to G6PD deficiency. Last evaluated: 2022-08-12. Review status: criteria provided, single submitter. Criteria: ACMG Guidelines, 2015. Collection method: curation. Allele origin: unknown.
Comment: Variant found in hemizygotes with deficiency, some with anemia (PP4), but also without deficiency (BS2). Decreased activity in red blood cells (28-90%) in some hemizygotes (PS3), but normal in others (BS3). Frequency of 9.1% in gnomAD3 (BA1).

Institute for Clinical Genetics, University Hospital TU Dresden, University Hospital TU Dresden
Classification: Pathogenic. Last evaluated: 2022-06-23. Review status: criteria provided, single submitter. Criteria: ACMG Guidelines, 2015. Collection method: clinical testing. Allele origin: germline.

Institute of Human Genetics, University of Leipzig Medical Center
Classification: Likely pathogenic for Anemia, nonspherocytic hemolytic, due to G6PD deficiency. Last evaluated: 2022-01-12. Review status: criteria provided, single submitter. Criteria: ACMG Guidelines, 2015. Collection method: clinical testing. Allele origin: unknown. Affected: yes.
Comment: This variant was identified as hemizygous and together with NM_001042351.3:c.202G>A._x000D_ Criteria applied: PS4, PS3_MOD, PM5_SUP

AiLife Diagnostics
Classification: Uncertain significance. Last evaluated: 2021-07-02. Review status: criteria provided, single submitter. Criteria: ACMG Guidelines, 2015. Collection method: clinical testing. Allele origin: germline. Affected: yes. Observed: 2 variant alleles.

CENTOGENE GmbH and LLC - Guiding Precision Medicine
Classification: Pathogenic for Anemia, nonspherocytic hemolytic, due to G6PD deficiency. Last evaluated: 2021-05-04. Review status: criteria provided, single submitter. Criteria: ACMG Guidelines, 2015. Collection method: clinical testing. Allele origin: germline. Affected: yes.

Labcorp Genetics (formerly Invitae), Labcorp
Classification: Uncertain significance for Anemia, nonspherocytic hemolytic, due to G6PD deficiency. Last evaluated: 2020-01-03. Review status: criteria provided, single submitter. Criteria: Invitae Variant Classification Sherloc (09022015). Collection method: clinical testing. Allele origin: germline.
Comment: This sequence change replaces asparagine with aspartic acid at codon 126 of the G6PD protein (p.Asn126Asp). The asparagine residue is moderately conserved and there is a small physicochemical difference between asparagine and aspartic acid. This variant is the A+ (also known as A or A*) haplotype and it is present in population databases (rs1050829, ExAC 32%), being by far the most prevalent in the African subpopulation (PMID: 1303173). ClinVar contains an entry for this variant (Variation ID: 100055). In addition, the c.202G>A (p.Val68Met) variant and the c.376A>G (p.Asn126Asp) variant, when co-occurring in cis c.[202G>A;376A>G], is known as the G6PD A- haplotype which is present in the African populations at 0.2% (PMID: 2572288, 4359638). This variant alone has been reported to be non-deficient and not causative of disease (PMID: 26633385, 9858856, 8611726, 2321910, 1303173, 12737938). However, it has been reported in two individuals affected with drug-induced acute hemolytic anemia who were negative for the p.Val68Met variant, but these individuals could have another G6PD variant that is responsible for the observed phenotype (PMID: 27287612). ClinVar contains an entry for the G6PD A- haplotype (Variation ID: 10361). While this variant alone has been shown to have only a mild affect on enzyme activity, the c.[202G>A;376A>G] changes of the G6PD A- haplotype have been reported to act synergistically to cause dramatic reduction of the stability and enzymatic activity of the G6PD protein (PMID: 3393536, 1303173, 10734064, 6015571, 2836867, 16356170). For these reasons, this allele has been classified as Uncertain Significance.

Baylor Genetics
Classification: Pathogenic for Anemia, nonspherocytic hemolytic, due to G6PD deficiency. Last evaluated: 2019-07-27. Review status: criteria provided, single submitter. Criteria: ACMG Guidelines, 2015. Collection method: clinical testing. Allele origin: maternal. Affected: yes. Study: CSER-TexasKidsCanSeq.
Comment: This variant was determined to be pathogenic according to ACMG Guidelines, 2015 [PMID:25741868].

Mendelics
Classification: Pathogenic for Anemia, nonspherocytic hemolytic, due to G6PD deficiency. Last evaluated: 2019-05-28. Review status: criteria provided, single submitter. Criteria: Mendelics Assertion Criteria 2017. Collection method: clinical testing. Allele origin: unknown.

Knight Diagnostic Laboratories, Oregon Health and Sciences University
Classification: Pathogenic for Anemia, nonspherocytic hemolytic, due to G6PD deficiency. Last evaluated: 2016-06-28. Review status: criteria provided, single submitter. Criteria: ACMG Guidelines, 2015. Collection method: clinical testing. Allele origin: germline. Affected: no. Study: CSER-NextGen.
Comment: The c.376A>G (p.Asn126Asp) missense variant is recognized as a disease-causing variant in the G6PD gene. Functional studies demonstrate reduced enzymatic activity of the G allele compared to WT. The prevalence of the variant in affected individuals (homozygous) is increased compared with the prevalence in controls and there is familial co-segregation with disease (Bwayo et al. 2013; Manjurano et al. 2012; Maiga et al. 2014; Shah et al. 2014; Pisani et al. 2012; Vulliamy et al. 1988; Odievre et al. 2011). This variant is has been classified as pathogenic by multiple reputable clinical testing laboratories (Emory, Division of Human Genetics at Childrenâ€™s Hospital of Philadelphia). Although the frequency of this variant in the African population within ExAC is high it is consistent with observed and expected based on disease incidence (31.700%). In summary, this variant c.3766A>G (p.Asn126Asp) meets our criteria for a Pathogenic classification. We have confirmed this finding in our laboratory using Sanger sequencing.

Center for Pediatric Genomic Medicine, Children's Mercy Hospital and Clinics
Classification: Pathogenic. Last evaluated: 2015-08-24. Review status: criteria provided, single submitter. Criteria: ACMG Guidelines, 2015. Collection method: clinical testing. Allele origin: germline.

Broad Center for Mendelian Genomics, Broad Institute of MIT and Harvard
Classification: Benign for Anemia, nonspherocytic hemolytic, due to G6PD deficiency. Review status: criteria provided, single submitter. Criteria: ACMG Guidelines, 2015. Collection method: research. Allele origin: germline. Affected: yes.
Comment: The p.Asn126Asp variant, sometimes called p.Asn156Asp due to a difference in cDNA numbering, in G6PD has been reported as a polymorphism in African individuals in the literature with an allele frequency of 25% in some populations (PMID: 3393536). In vitro functional studies provide some evidence that the p.Asn126Asp variant will not impact protein function (PMID: 3393536). However, these types of assays may not accurately represent biological function. This variant has also been reported in >30% of African chromosomes, 613 hemizygotes, and 354 homozygotes by ExAC. In summary, this variant meets criteria to be classified as benign for glucose-6-phosphate dehydrogenase deficiency.

Kariminejad - Najmabadi Pathology & Genetics Center
Classification: Likely pathogenic for Anemia, nonspherocytic hemolytic, due to G6PD deficiency. Review status: criteria provided, single submitter. Criteria: ACMG Guidelines, 2015. Collection method: clinical testing. Allele origin: germline. Affected: no.

UNC Molecular Genetics  Laboratory, University of North Carolina at Chapel Hill
Classification: Pathogenic for Glucose 6 phosphate dehydrogenase deficiency; Anemia, nonspherocytic hemolytic, due to G6PD deficiency. Review status: criteria provided, single submitter. Criteria: ACMG Guidelines, 2015. Collection method: research. Allele origin: germline. Affected: no. Observed: 2 variant alleles. Study: NSIGHT-NC NEXUS.
Comment: G6PD c.292G>A (p.V98M) and c.466A>G (p.N156D), often occur together in cis as part of a haplotype, referred to as the enzyme variant A- (PMID: 5448; 1303173). This variant is associated with glucose-6-phosphate dehydrogenase deficiency.

carrier finding

Zotz-Klimas Genetics Lab, MVZ Zotz Klimas
Classification: Pathogenic for Anemia, nonspherocytic hemolytic, due to G6PD deficiency. Last evaluated: 2023-10-30. Review status: no assertion criteria provided. Collection method: clinical testing. Allele origin: germline. Affected: yes. Not counted in ClinVar's aggregate classification.

Biochemical Molecular Genetic Laboratory, King Abdulaziz Medical City
Classification: Pathogenic for Anemia, nonspherocytic hemolytic, due to G6PD deficiency. Last evaluated: 2019-08-25. Review status: no assertion criteria provided. Collection method: clinical testing. Allele origin: germline. Affected: yes. Not counted in ClinVar's aggregate classification.

OMIM
Classification: other for G6PD A+. Last evaluated: 2018-05-11. Review status: no assertion criteria provided. Collection method: literature only. Allele origin: germline. Not counted in ClinVar's aggregate classification.